The following is an entry in ClinVar:

ClinVar aggregate classification (germline): Uncertain significance (1 of 4 stars; one submission).

Submission:

GeneDx
Classification: Uncertain significance. Last evaluated: 2023-03-06. Review status: criteria provided, single submitter. Criteria: GeneDx Variant Classification Process June 2021. Collection method: clinical testing. Allele origin: germline. Affected: yes.
Comment: Not observed at significant frequency in large population cohorts (gnomAD); In silico analysis supports that this missense variant has a deleterious effect on protein structure/function; Has not been previously published as pathogenic or benign to our knowledge

NM_001854.4(COL11A1):c.4903T>C (p.Phe1635Leu)

Gene: COL11A1 (collagen type XI alpha 1 chain; minus strand). Cytogenetic location: 1p21.1.
Variant type: single nucleotide variant.
Coding change: c.4903T>C on transcript NM_001854.4 (MANE Select); coding-DNA position 4903, T replaced by C.
Protein change: p.Phe1635Leu; replaces phenylalanine 1635 with leucine.
Molecular consequence: missense variant. On other transcripts: non-coding transcript variant (1).
Genome position (GRCh38, 1-based): chr1:102,883,267, A>G on the plus strand (T>C on the coding strand, the complement: COL11A1 is on the minus strand). VCF-style: chr1-102883267-A-G. GRCh37 (hg19) VCF-style: chr1-103348823-A-G.
Other names: c.4555T>C, p.Phe1519Leu (NM_001168249.1, NM_080630.4); c.4786T>C, p.Phe1596Leu (NM_001190709.2); c.4939T>C, p.Phe1647Leu (NM_080629.3); short protein forms F1519L, F1596L, F1635L, F1647L.
Identifiers: ClinVar variation 2579512 (VCV002579512.1), dbSNP rs1650486853, ClinGen allele CA341211585.